The following is an entry in ClinVar:

ClinVar aggregate classification (germline): Pathogenic/Likely pathogenic. Review status: criteria provided, multiple submitters, no conflicts (2 of 4 stars). 13 submissions from 13 submitters: Pathogenic (7); Likely pathogenic (4). 2 of the submissions do not count toward it. Last evaluated 2024-04-29.

Conditions:
NIPBL-related disorder. Also called: NIPBL-related condition.
Inborn genetic diseases. Identifiers: MedGen C0950123, MeSH D030342.
Cornelia de Lange syndrome 1 (CDLS1). Also called: Brachmann de Lange syndrome; NIPBL-Related Cornelia de Lange Syndrome; TYPUS DEGENERATIVUS AMSTELODAMENSIS. Identifiers: Orphanet 199, MedGen C4551851, MONDO:0007387, OMIM 122470.

Submissions (13):

Rady Children's Institute for Genomic Medicine, Rady Children's Hospital San Diego
Classification: Pathogenic for CORNELIA DE LANGE SYNDROME 1. Last evaluated: 2024-04-29. Review status: criteria provided, single submitter. Criteria: ACMG Guidelines, 2015. Collection method: clinical testing. Allele origin: germline. Affected: yes.
Comment: The NIPBL gene is highly constrained (Z-score= 6.68 and pLI = 1), which suggests it is intolerant to variation. The c.7168G>A (p.Ala2390Thr) variant affects a highly conserved amino acid; however, in silico tools used to predict the effect of this variant on protein function yield discordant results. This variant has been previously reported as a heterozygous change in individuals with Cornelia de Lange syndrome 1, including as a de novo event (PMID: 15318302, 32573669, 37377026, 34326454). Functional studies illustrated that this variant does not stimulate cohesin's ATPase activity (PMID: 35476527). The c.7168G>A (p.Ala2390Thr) variant is absent from the gnomAD v4 population database and thus is presumed to be rare. Analysis of the parental samples was negative for the variant, indicating this variant likely occurred as a de novo event. Based on the available evidence, c.7168G>A (p.Ala2390Thr) is classified as Pathogenic.

PreventionGenetics, part of Exact Sciences
Classification: Likely pathogenic for NIPBL-related condition. Last evaluated: 2023-06-14. Review status: criteria provided, single submitter. Criteria: ACMG Guidelines, 2015. Collection method: clinical testing. Allele origin: germline.
Comment: The NIPBL c.7168G>A variant is predicted to result in the amino acid substitution p.Ala2390Thr. This variant was previously reported in individuals with a clinical diagnosis of Cornelia de Lange syndrome (CdLS) (Table 1, patient 067P in Figure 1, Gillis et al. 2004. PubMed ID: 15318302), reported as de novo (Table S1, Mannini et al. 2013. PubMed ID: 24038889), or mosaic finding (Huisman et al. 2013. PubMed ID: 23505322). This variant has not been reported in a large population database, indicating this variant is rare. This variant is interpreted as likely pathogenic.

Labcorp Genetics (formerly Invitae), Labcorp
Classification: Pathogenic for Cornelia de Lange syndrome 1. Last evaluated: 2023-04-09. Review status: criteria provided, single submitter. Criteria: Invitae Variant Classification Sherloc (09022015). Collection method: clinical testing. Allele origin: germline.
Comment: ClinVar contains an entry for this variant (Variation ID: 159223). For these reasons, this variant has been classified as Pathogenic. Advanced modeling of protein sequence and biophysical properties (such as structural, functional, and spatial information, amino acid conservation, physicochemical variation, residue mobility, and thermodynamic stability) performed at Invitae indicates that this missense variant is expected to disrupt NIPBL protein function. This missense change has been observed in individual(s) with classical Cornelia de Lange syndrome and mild Cornelia de Lange syndrome (PMID: 15318302, 23505322; Invitae). In at least one individual the variant was observed to be de novo. This variant is not present in population databases (gnomAD no frequency). This sequence change replaces alanine, which is neutral and non-polar, with threonine, which is neutral and polar, at codon 2390 of the NIPBL protein (p.Ala2390Thr).

GeneDx
Classification: Pathogenic. Last evaluated: 2022-05-05. Review status: criteria provided, single submitter. Criteria: GeneDx Variant Classification Process June 2021. Collection method: clinical testing. Allele origin: germline. Affected: yes.
Comment: Published functional studies demonstrate a damaging effect with impaired ATPase and DNA loop extrusion activities of cohesin (Panarotto et al., 2022); Not observed at significant frequency in large population cohorts (gnomAD); In silico analysis supports that this missense variant has a deleterious effect on protein structure/function; This variant is associated with the following publications: (PMID: 15318302, 35476527, 23505322, 32573669, 34326454)

Revvity Omics, Revvity
Classification: Likely pathogenic for Cornelia de Lange syndrome 1. Last evaluated: 2022-01-14. Review status: criteria provided, single submitter. Criteria: ACMG Guidelines, 2015. Collection method: clinical testing. Allele origin: germline.

Genome-Nilou Lab
Classification: Likely pathogenic for Cornelia de Lange syndrome 1. Last evaluated: 2021-07-15. Review status: criteria provided, single submitter. Criteria: ACMG Guidelines, 2015. Collection method: clinical testing. Allele origin: germline. Affected: no.

Blueprint Genetics
Classification: Pathogenic for NIPBL-related disorders. Last evaluated: 2018-11-28. Review status: criteria provided, single submitter. Criteria: ACMG Guidelines, 2015. Collection method: clinical testing. Allele origin: germline. Affected: yes. Observed: 1 variant allele.

Victorian Clinical Genetics Services, Murdoch Childrens Research Institute
Classification: Pathogenic for Cornelia de Lange syndrome 1. Last evaluated: 2018-11-28. Review status: criteria provided, single submitter. Criteria: ACMG Guidelines, 2015. Collection method: clinical testing. Allele origin: de novo. Affected: yes. Observed: 1 variant allele.
Comment: A heterozygous missense variant, NM_133433.3(NIPBL):c.7168G>A, has been identified in exon 42 of 47 of the NIPBL gene. The variant is predicted to result in a minor amino acid change from alanine to threonine at position 2390 of the protein (NP_597677.2(NIPBL):p.(Ala2390Thr)). The alanine residue at this position has very high conservation (100 vertebrates, UCSC), and is located within the Nipped-B_C domain. In silico predictions for this variant are consistently pathogenic (Polyphen, SIFT, CADD, Mutation Taster). The variant is absent in population databases (gnomAD, dbSNP, 1000G), but has previously been reported in patients with Cornelia de Lange syndrome (ClinVar, Gills L. et al. (2004), Huisman S. et al. (2013)). Analysis of parental samples indicated this variant is de novo. Based on the information available at the time of curation, this variant has been classified as PATHOGENIC.

Foundation for Research in Genetics and Endocrinology, FRIGE's Institute of Human Genetics
Classification: Pathogenic for Cornelia de Lange syndrome 1. Last evaluated: 2018-07-27. Review status: criteria provided, single submitter. Criteria: ACMG Guidelines, 2015. Collection method: clinical testing. Allele origin: de novo. Inheritance: Autosomal dominant inheritance. Affected: yes. Observed: 1 heterozygote.
Comment: A heterozygous missense variation in exon 42 of the NIPBL gene that results in the amino acid substitution of Threonine for Alanine at codon 2390 was detected. The observed variant c.7168G>A (p.Ala2390Thr) has not been observed in the 1000 genomes and gnomAD databases. The in silico prediction of the variant is benign by PolyPhen-2 (HumDiv), SIFT, LRT and MutationTaster2. The reference codon is conserved across species Segregation analysis showed the variant to be of de novo origin. In summary, the variant meets our criteria to be classified as pathogenic.

Ambry Genetics
Classification: Likely pathogenic for Inborn genetic diseases. Last evaluated: 2017-04-11. Review status: criteria provided, single submitter. Criteria: Ambry Variant Classification Scheme 2023. Collection method: clinical testing. Allele origin: germline.
Comment: The p.A2390T variant (also known as c.7168G>A), located in coding exon 41 of the NIPBL gene, results from a G to A substitution at nucleotide position 7168. The alanine at codon 2390 is replaced by threonine, an amino acid with similar properties. This variant was identified in 2 individuals with Cornelia de Lange syndrome. In one individual, this alteration occurred de novo, although paternity was not confirmed (Gillis LA et al. Am. J. Hum. Genet., 2004 Oct;75:610-23). The other individual was mosaic for this alteration; it was detected in buccal cells, but was absent in lymphocytes (Mannini L et al. Hum. Mutat., 2013 Dec;34:1589-96). This amino acid position is highly conserved in available vertebrate species. In addition, this alteration is predicted to be deleterious by in silico analysis. Based on the majority of available evidence to date, this variant is likely to be pathogenic.

Genetic Services Laboratory, University of Chicago
Classification: Pathogenic for Cornelia de Lange syndrome 1. Last evaluated: 2013-02-08. Review status: criteria provided, single submitter. Criteria: ACMG Guidelines, 2007. Collection method: clinical testing. Allele origin: germline. Inheritance: Autosomal dominant inheritance. Affected: yes.

Genome Diagnostics Laboratory, Amsterdam University Medical Center
Classification: Pathogenic. Review status: no assertion criteria provided. Collection method: clinical testing. Allele origin: germline. Affected: yes. Study: VKGL Data-share Consensus. Not counted in ClinVar's aggregate classification.

Joint Genome Diagnostic Labs from Nijmegen and Maastricht, Radboudumc and MUMC+
Classification: Pathogenic. Review status: no assertion criteria provided. Collection method: clinical testing. Allele origin: germline. Affected: yes. Study: VKGL Data-share Consensus. Not counted in ClinVar's aggregate classification.

Literature cited by the submitters: PubMed 15318302 (cited by Labcorp Genetics (formerly Invitae), Labcorp and Ambry Genetics); PubMed 23505322 (cited by Labcorp Genetics (formerly Invitae), Labcorp and Ambry Genetics); PubMed 24038889 (cited by Ambry Genetics).

NM_133433.4(NIPBL):c.7168G>A (p.Ala2390Thr)

Gene: NIPBL (NIPBL cohesin loading factor; plus strand). Cytogenetic location: 5p13.2.
Variant type: single nucleotide variant.
Coding change: c.7168G>A on transcript NM_133433.4 (MANE Select); coding-DNA position 7168, G replaced by A.
Protein change: p.Ala2390Thr; replaces alanine 2390 with threonine.
Molecular consequence: missense variant.
Genome position (GRCh38, 1-based): chr5:37,052,471, G>A. VCF-style: chr5-37052471-G-A. GRCh37 (hg19) VCF-style: chr5-37052573-G-A.
Other names: c.7168G>A, p.Ala2390Thr (NM_015384.5); short protein forms A2390T.
Identifiers: ClinVar variation 159223 (VCV000159223.37), dbSNP rs587784036, ClinGen allele CA272292.